The following is an entry in ClinVar:

ClinVar aggregate classification (germline): Likely pathogenic (1 of 4 stars; one submission).

Conditions:
Ehlers-Danlos syndrome, classic type, 1 (EDSCL1). Also called: EHLERS-DANLOS SYNDROME, GRAVIS TYPE; EHLERS-DANLOS SYNDROME, SEVERE CLASSIC TYPE; Ehlers-Danlos syndrome, type 1; Ehlers-Danlos Syndrome, Classic Type, COL5A1-Related; EDS I. Identifiers: MedGen C0268335, MONDO:0019567, OMIM 130000.

Submission:

Clinical Genetics Laboratory, Region Ostergotland
Classification: Likely pathogenic for Ehlers-Danlos syndrome, classic type, 1. Last evaluated: 2025-05-22. Review status: criteria provided, single submitter. Criteria: ACMG Guidelines, 2015. Collection method: clinical testing. Allele origin: germline. Affected: yes.
Comment: This delins is located in 'NM_000093.5' exon 21 of 66. The variant generates a Frameshift resulting in a premature STOP codon at position 113. The variant not found in population database (no frequency gnomAD v4.1.0). Based on this information, the following ACMG/AMP criteria were applied in classifying this variant: PVS1, PM2

NM_000093.5(COL5A1):c.2052_2073delinsGGC (p.Gly685fs)

Gene: COL5A1 (collagen type V alpha 1 chain; plus strand). Cytogenetic location: 9q34.3.
Variant type: Indel.
Coding change: c.2052_2073delinsGGC on transcript NM_000093.5 (MANE Select); coding-DNA positions 2052 to 2073, TGGGCCGAAGGGGCCCCCAGGT replaced by GGC.
Protein change: p.Gly685fs; shifts the reading frame from glycine 685.
Molecular consequence: frameshift variant.
Genome position (GRCh38, 1-based): chr9:134,765,698-134,765,719, TGGGCCGAAGGGGCCCCCAGGT replaced by GGC. VCF-style: chr9-134765698-TGGGCCGAAGGGGCCCCCAGGT-GGC. GRCh37 (hg19) VCF-style: chr9-137657544-TGGGCCGAAGGGGCCCCCAGGT-GGC.
Other names: c.2052_2073delinsGGC, p.Gly685fs (NM_001278074.1); short protein forms G685fs.
Identifiers: ClinVar variation 3900645 (VCV003900645.2).